The following is an entry in ClinVar:

NM_001083961.2(WDR62):c.109_115del (p.Ala37fs)

Gene: WDR62 (WD repeat domain 62; plus strand). Cytogenetic location: 19q13.12.
Variant type: Deletion.
Coding change: c.109_115del on transcript NM_001083961.2 (MANE Select); coding-DNA positions 109 to 115, 7 bases deleted (GCCCCAC; older notation c.109_115delGCCCCAC).
Protein change: p.Ala37fs; shifts the reading frame from alanine 37.
Molecular consequence: frameshift variant.
Genome position (GRCh38, 1-based): chr19:36,055,080-36,055,086, GCCCCAC deleted; deleting any 7 consecutive bases within chr19:36,055,079-36,055,086 gives the same sequence; the c. name uses the placement nearest the transcript's 3' end. VCF-style (leftmost placement, unchanged base first): chr19-36055078-CCGCCCCA-C. GRCh37 (hg19) VCF-style: chr19-36545980-CCGCCCCA-C.
Other names: c.109_115del, p.Ala37fs (NM_001411145.1, NM_001411146.1, NM_001411147.1 and 1 more transcripts); short protein forms A37fs.
Identifiers: ClinVar variation 5005970 (VCV005005970.2).

ClinVar aggregate classification (germline): Likely pathogenic (1 of 4 stars; one submission).

Conditions:
Microcephaly 2, primary, autosomal recessive, with or without cortical malformations. Also called: MICROCEPHALY 2, PRIMARY, AUTOSOMAL RECESSIVE, WITH CORTICAL MALFORMATIONS; WDR62 Primary Microcephaly. Identifiers: Orphanet 2512, MedGen C1858535, MONDO:0011435, OMIM 604317.

Submission:

Juno Genomics, Hangzhou Juno Genomics, Inc
Classification: Likely pathogenic for Microcephaly 2, primary, autosomal recessive, with or without cortical malformations. Review status: criteria provided, single submitter. Criteria: ACMG Guidelines, 2015. Collection method: clinical testing. Allele origin: germline.
Comment: Null variant in a gene where loss of function (LOF) is a known mechanism of disease.;Absent from controls (or at extremely low frequency if recessive) in Genome Aggregation Database.